The following is an entry in ClinVar:

NM_001267550.2(TTN):c.33910+1G>A

Gene: TTN (titin; minus strand). Cytogenetic location: 2q31.2.
Variant type: single nucleotide variant.
Coding change: c.33910+1G>A on transcript NM_001267550.2 (MANE Select); the canonical splice donor site of the intron after coding-DNA position 33910, G replaced by A.
Molecular consequence: splice donor variant. On other transcripts: intron variant (3).
Genome position (GRCh38, 1-based): chr2:178,678,413, C>T on the plus strand (G>A on the coding strand, the complement: TTN is on the minus strand). VCF-style: chr2-178678413-C-T. GRCh37 (hg19) VCF-style: chr2-179543140-C-T.
Other names: c.13283-36096G>A (NM_003319.4); c.13859-36096G>A (NM_133437.4); c.13658-36096G>A (NM_133432.3); c.30178+1G>A (NM_133378.4); c.32959+1G>A (NM_001256850.1).
Identifiers: ClinVar variation 4784321 (VCV004784321.1).
Genomic context (GRCh38, chr2:178,678,413, plus strand): 5'-TGTGAGTATACATAGATGTGAGTTTTTTCCCCCAAGTACTCTAAGTGATGAAATTATGTA[C>T]CTTTTGCAGGTGGAGCCTCCACTTTCTTAGGAGCAGGAACTGGCACCTTCTTCTCAGGCA-3'

ClinVar aggregate classification (germline): Likely pathogenic (1 of 4 stars; one submission).

Conditions:
Dilated cardiomyopathy 1G (CMD1G). Identifiers: Orphanet 154, MedGen C1858763, MONDO:0011400, OMIM 604145.
Autosomal recessive limb-girdle muscular dystrophy type 2J (LGMDR10). Also called: Limb-girdle muscular dystrophy, type 2J; MUSCULAR DYSTROPHY, LIMB-GIRDLE, AUTOSOMAL RECESSIVE 10. Identifiers: Orphanet 140922, MedGen C1837342, MONDO:0012127, OMIM 608807.

Submission:

Labcorp Genetics (formerly Invitae), Labcorp
Classification: Likely pathogenic for Dilated cardiomyopathy 1G; Autosomal recessive limb-girdle muscular dystrophy type 2J. Last evaluated: 2025-03-03. Review status: criteria provided, single submitter. Criteria: Invitae Variant Classification Sherloc (09022015). Collection method: clinical testing. Allele origin: germline.
Comment: This sequence change affects a donor splice site in intron 144 of the TTN gene. It is expected to disrupt RNA splicing and likely results in a truncated or disrupted TTN protein. This variant is not present in population databases (gnomAD no frequency). This variant has not been observed in the literature in individuals with autosomal recessive TTN-related conditions. This variant has been reported in individual(s) with autosomal dominant dilated cardiomyopathy (internal data); however, the role of the variant in this condition is currently unclear. Algorithms developed to predict the effect of sequence changes on RNA splicing suggest that this variant may disrupt the consensus splice site. This variant is located in the I band of TTN (PMID: 25589632). Truncating variants in this region have been reported in individuals affected with autosomal recessive centronuclear myopathy (PMID: 23975875, internal data). Truncating variants in this region have also been identified in individuals affected with autosomal dominant dilated cardiomyopathy and/or cardio-related conditions (PMID: 27869827, 32964742, internal data). In summary, the currently available evidence indicates that the variant is pathogenic, but additional data are needed to prove that conclusively. Therefore, this variant has been classified as Likely Pathogenic.

Literature cited by the submitters: PubMed 25589632; PubMed 23975875; PubMed 27869827; PubMed 32964742.